The following is an entry in ClinVar:

ClinVar aggregate classification (germline): Uncertain significance (1 of 4 stars; one submission).

gnomAD v4.1: 7 of 1,614,208 alleles (0.00043%); highest among the groups gnomAD compares: South Asian, 0.0044%; no homozygotes.

Submission:

GeneDx
Classification: Uncertain significance. Last evaluated: 2023-10-23. Review status: criteria provided, single submitter. Criteria: GeneDx Variant Classification Process June 2021. Collection method: clinical testing. Allele origin: germline. Affected: yes.
Comment: Not observed at significant frequency in large population cohorts (gnomAD); In silico analysis supports that this missense variant has a deleterious effect on protein structure/function; Has not been previously published as pathogenic or benign to our knowledge

NM_002224.4(ITPR3):c.6664T>C (p.Phe2222Leu)

Gene: ITPR3 (inositol 1,4,5-trisphosphate receptor type 3; plus strand). Cytogenetic location: 6p21.31.
Variant type: single nucleotide variant.
Coding change: c.6664T>C on transcript NM_002224.4 (MANE Select); coding-DNA position 6664, T replaced by C.
Protein change: p.Phe2222Leu; replaces phenylalanine 2222 with leucine.
Molecular consequence: missense variant.
Genome position (GRCh38, 1-based): chr6:33,688,751, T>C. VCF-style: chr6-33688751-T-C. GRCh37 (hg19) VCF-style: chr6-33656528-T-C.
Other names: short protein forms F2222L.
Identifiers: ClinVar variation 3363418 (VCV003363418.1).